The following is an entry in ClinVar:

ClinVar aggregate classification (germline): Conflicting classifications of pathogenicity. Review status: criteria provided, conflicting classifications (1 of 4 stars). 3 submissions from 3 submitters: Uncertain significance (1); Likely benign (2). Last evaluated 2024-03-07.

Conditions:
Severe combined immunodeficiency due to DNA-PKcs deficiency. Also called: IMMUNODEFICIENCY 26 WITH NEUROLOGIC ABNORMALITIES; Immunodeficiency 26 with or without neurologic abnormalities. Identifiers: Orphanet 317425, MedGen C4014833, MONDO:0014423, OMIM 615966.

Allele frequency attached by ClinVar (database versions not stated): gnomAD 0.00002; TOPMed 0.00002; ExAC 0.00008; ESP Exome Variant Server 0.00009.
gnomAD v4.1: 32 of 1,588,120 alleles (0.002%); highest among the groups gnomAD compares: Non-Finnish European, 0.0025%; no homozygotes.

Submissions (3):

Labcorp Genetics (formerly Invitae), Labcorp
Classification: Likely benign for Severe combined immunodeficiency due to DNA-PKcs deficiency. Last evaluated: 2024-03-07. Review status: criteria provided, single submitter. Criteria: Invitae Variant Classification Sherloc (09022015). Collection method: clinical testing. Allele origin: germline.

Ambry Genetics
Classification: Likely benign. Last evaluated: 2022-02-15. Review status: criteria provided, single submitter. Criteria: Ambry Variant Classification Scheme 2023. Collection method: clinical testing. Allele origin: germline.

Center for Genomics, Ann and Robert H. Lurie Children's Hospital of Chicago
Classification: Uncertain significance for Severe combined immunodeficiency due to DNA-PKcs deficiency. Last evaluated: 2021-03-30. Review status: criteria provided, single submitter. Criteria: ACMG Guidelines, 2015. Collection method: clinical testing. Allele origin: germline.
Comment: PRKDC ENST00000314191.2 exon 16 p.Ser571= (c.1713C>T): This variant has not been reported in the literature but is present in 0.008% (8/99400) of European alleles in the Genome Aggregation Database. Evolutionary conservation and computational predictive tools for this variant are limited or unavailable. Of note, this variant is a silent variant and does not change the amino acid, reducing the probability that this variant is disease causing. In summary, data on this variant is insufficient for disease classification. Therefore, the clinical significance of this variant is uncertain.

NM_006904.7(PRKDC):c.1713C>T (p.Ser571=)

Gene: PRKDC (protein kinase, DNA-activated, catalytic subunit; minus strand). Cytogenetic location: 8q11.21.
Variant type: single nucleotide variant.
Coding change: c.1713C>T on transcript NM_006904.7 (MANE Select); coding-DNA position 1713, C replaced by T.
Protein change: p.Ser571=; no amino-acid change (serine 571 retained).
Molecular consequence: synonymous variant.
Genome position (GRCh38, 1-based): chr8:47,933,083, G>A on the plus strand (C>T on the coding strand, the complement: PRKDC is on the minus strand). VCF-style: chr8-47933083-G-A. GRCh37 (hg19) VCF-style: chr8-48845643-G-A.
Other names: c.1713C>T, p.Ser571= (NM_001081640.2).
Identifiers: ClinVar variation 992552 (VCV000992552.11), dbSNP rs373088662, ClinGen allele CA4741658.